The following is an entry in ClinVar:

NM_006015.6(ARID1A):c.5942G>T (p.Cys1981Phe)

Gene: ARID1A (AT-rich interaction domain 1A; plus strand). Cytogenetic location: 1p36.11.
Variant type: single nucleotide variant.
Coding change: c.5942G>T on transcript NM_006015.6 (MANE Select); coding-DNA position 5942, G replaced by T.
Protein change: p.Cys1981Phe; replaces cysteine 1981 with phenylalanine.
Molecular consequence: missense variant.
Genome position (GRCh38, 1-based): chr1:26,779,840, G>T. VCF-style: chr1-26779840-G-T. GRCh37 (hg19) VCF-style: chr1-27106331-G-T.
Other names: c.5291G>T, p.Cys1764Phe (NM_139135.4); short protein forms C1764F, C1981F.
Identifiers: ClinVar variation 2428954 (VCV002428954.2), dbSNP rs2124144324, ClinGen allele CA339189019.
Genomic context (GRCh38, chr1:26,779,840, plus strand): 5'-GTAAGGATGAGACCCCACTGTGTACCCTTCTGGACTGGCAGGATTCTCTTGCCAAGCGCT[G>T]CGTCTGTGTGTCCAATACCATTCGAAGCCTGTCATTTGTGCCAGGCAATGACTTTGAGAT-3'
Protein context (NP_006006.3, residues 1971-1991): LDWQDSLAKR[Cys1981Phe]VCVSNTIRSL

ClinVar aggregate classification (germline): Uncertain significance (1 of 4 stars; one submission).

Submission:

GeneDx
Classification: Uncertain significance. Last evaluated: 2023-02-02. Review status: criteria provided, single submitter. Criteria: GeneDx Variant Classification Process June 2021. Collection method: clinical testing. Allele origin: germline. Affected: yes.
Comment: Not observed at significant frequency in large population cohorts (gnomAD); In silico analysis supports that this missense variant has a deleterious effect on protein structure/function; Has not been previously published as pathogenic or benign to our knowledge